The following is an entry in ClinVar:

NM_032608.7(MYO18B):c.3492del (p.Phe1164fs)

Gene: MYO18B (myosin XVIIIB; plus strand). Cytogenetic location: 22q12.1.
Variant type: Deletion.
Coding change: c.3492del on transcript NM_032608.7 (MANE Select); coding-DNA position 3492, one base deleted (T; older notation c.3492delT).
Protein change: p.Phe1164fs; shifts the reading frame from phenylalanine 1164.
Molecular consequence: frameshift variant.
Genome position (GRCh38, 1-based): chr22:25,846,223, T deleted; the last of 3 consecutive T bases (chr22:25,846,221-25,846,223); deleting any one gives the same sequence. VCF-style (leftmost placement, unchanged base first): chr22-25846220-CT-C. GRCh37 (hg19) VCF-style: chr22-26242187-CT-C.
Other names: c.3495del, p.Phe1165fs (NM_001318245.2); short protein forms F1164fs, F1165fs.
Identifiers: ClinVar variation 1320169 (VCV001320169.1), dbSNP rs1601331202, ClinGen allele CA920347666.

ClinVar aggregate classification (germline): Likely pathogenic (1 of 4 stars; one submission).

Conditions:
Klippel-Feil anomaly-myopathy-facial dysmorphism syndrome. Also called: Klippel-Feil syndrome 4, autosomal recessive, with myopathy and facial dysmorphism; Klippel-feil syndrome 4, autosomal recessive, with nemaline myopathy and facial dysmorphism. Identifiers: Orphanet 447974, MedGen C4225285, MONDO:0014689, OMIM 616549.

Submission:

3billion
Classification: Likely pathogenic for Klippel-Feil anomaly-myopathy-facial dysmorphism syndrome. Last evaluated: 2021-10-02. Review status: criteria provided, single submitter. Criteria: ACMG Guidelines, 2015. Collection method: clinical testing. Allele origin: maternal. Affected: yes. Observed: 1 heterozygote.
Comment: Frameshift: predicted to result in a loss or disruption of normal protein function through nonsense-mediated decay (NMD) or protein truncation. Multiple pathogenic variants are reported downstream of the variant (PVS1_VS). It is not observed in the gnomAD v2.1.1 dataset (PM2). Therefore, this variant is classified as likely pathogenic according to the recommendation of ACMG/AMP guideline.